The following is an entry in ClinVar:

ClinVar aggregate classification (germline): Benign (1 of 4 stars; one submission).

Conditions:
Hereditary spastic paraplegia 33. Also called: SPASTIC PARAPLEGIA 33, AUTOSOMAL DOMINANT. Identifiers: MedGen C1853251, MONDO:0012448, OMIM 610244.

Allele frequency attached by ClinVar (database versions not stated): gnomAD below 0.00001 and 0.00015; TOPMed 0.00001; 1000 Genomes Project 30x 0.00141; 1000 Genomes Project 0.00180.

Submission:

Illumina Laboratory Services, Illumina
Classification: Benign for Hereditary spastic paraplegia 33. Last evaluated: 2018-01-12. Review status: criteria provided, single submitter. Criteria: ICSL Variant Classification Criteria 13 December 2019. Collection method: clinical testing. Allele origin: germline.
Comment: This variant was observed in the ICSL laboratory as part of a predisposition screen in an ostensibly healthy population. It had not been previously curated by ICSL or reported in the Human Gene Mutation Database (HGMD: prior to June 1st, 2018), and was therefore a candidate for classification through an automated scoring system. Utilizing variant allele frequency, disease prevalence and penetrance estimates, and inheritance mode, an automated score was calculated to assess if this variant is too frequent to cause the disease. Based on the score and internal cut-off values, a variant classified as benign is not then subjected to further curation. The score for this variant resulted in a classification of benign for this disease.

NM_001385875.1(ZFYVE27):c.*1150C>T

Gene: ZFYVE27 (zinc finger FYVE-type containing 27; plus strand). Cytogenetic location: 10q24.2.
Variant type: single nucleotide variant.
Coding change: c.*1150C>T on transcript NM_001385875.1 (MANE Select); 1150 bases downstream of the stop codon, C replaced by T.
Molecular consequence: 3 prime UTR variant. On other transcripts: non-coding transcript variant (17).
Genome position (GRCh38, 1-based): chr10:97,760,450, C>T. VCF-style: chr10-97760450-C-T. GRCh37 (hg19) VCF-style: chr10-99520207-C-T.
Other names: c.*1150C>T (NM_001385894.1, NM_001385895.1, NM_001385896.1 and 39 more transcripts).
Identifiers: ClinVar variation 301856 (VCV000301856.5), dbSNP rs573448961, ClinGen allele CA10629577.